The following is an entry in ClinVar:

NM_005732.4(RAD50):c.2578A>G (p.Ile860Val)

Gene: RAD50 (RAD50 double strand break repair protein; plus strand). Cytogenetic location: 5q31.1.
Variant type: single nucleotide variant.
Coding change: c.2578A>G on transcript NM_005732.4 (MANE Select); coding-DNA position 2578, A replaced by G.
Protein change: p.Ile860Val; replaces isoleucine 860 with valine.
Molecular consequence: missense variant.
Genome position (GRCh38, 1-based): chr5:132,604,859, A>G. VCF-style: chr5-132604859-A-G. GRCh37 (hg19) VCF-style: chr5-131940551-A-G.
Other names: short protein forms I860V.
Identifiers: ClinVar variation 1793330 (VCV001793330.2), dbSNP rs1581002056, ClinGen allele CA360956414.
Genomic context (GRCh38, chr5:132,604,859, plus strand): 5'-TGTGTAGTTTCTAGTAAGATTGAATTGAATCGTAAGCTTATACAGGACCAGCAGGAACAG[A>G]TTCAACATCTAAAAAGTACAACAAATGAGCTAAAATCTGAGAAACTTCAGATATCCACTA-3'
Protein context (NP_005723.2, residues 850-870): RKLIQDQQEQ[Ile860Val]QHLKSTTNEL

ClinVar aggregate classification (germline): Uncertain significance (1 of 4 stars; one submission).

Conditions:
Hereditary cancer-predisposing syndrome. Also called: Tumor predisposition; Hereditary Cancer Syndrome; Neoplastic Syndromes, Hereditary; Hereditary neoplastic syndrome. Identifiers: Orphanet 140162, MedGen C0027672, MeSH D009386, MONDO:0015356.

Submission:

Ambry Genetics
Classification: Uncertain significance for Hereditary cancer-predisposing syndrome. Last evaluated: 2022-10-08. Review status: criteria provided, single submitter. Criteria: Ambry Variant Classification Scheme 2023. Collection method: clinical testing. Allele origin: germline.
Comment: The p.I860V variant (also known as c.2578A>G), located in coding exon 16 of the RAD50 gene, results from an A to G substitution at nucleotide position 2578. The isoleucine at codon 860 is replaced by valine, an amino acid with highly similar properties. This amino acid position is conserved. In addition, this alteration is predicted to be tolerated by in silico analysis. Since supporting evidence is limited at this time, the clinical significance of this alteration remains unclear.